The following is an entry in ClinVar:

NM_018127.7(ELAC2):c.491-14T>C

Gene: ELAC2 (elaC ribonuclease Z 2; minus strand). Cytogenetic location: 17p12.
Variant type: single nucleotide variant.
Coding change: c.491-14T>C on transcript NM_018127.7 (MANE Select); 14 bases into the intron before coding-DNA position 491, T replaced by C.
Molecular consequence: intron variant.
Genome position (GRCh38, 1-based): chr17:13,013,289, A>G on the plus strand (T>C on the coding strand, the complement: ELAC2 is on the minus strand). VCF-style: chr17-13013289-A-G. GRCh37 (hg19) VCF-style: chr17-12916606-A-G.
Other names: c.491-14T>C (NM_001165962.2, NM_173717.2, NM_001165962.1).
Identifiers: ClinVar variation 380021 (VCV000380021.14), dbSNP rs74556312, ClinGen allele CA8401625.

ClinVar aggregate classification (germline): Benign. Review status: criteria provided, multiple submitters, no conflicts (2 of 4 stars). 6 submissions from 6 submitters: Benign (6). Last evaluated 2026-02-04.

Conditions:
Combined oxidative phosphorylation defect type 17. Also called: Combined oxidative phosphorylation deficiency 17. Identifiers: Orphanet 369913, MedGen C3809526, MONDO:0014190, OMIM 615440.
Prostate cancer, hereditary, 2 (HPC2). Identifiers: Orphanet 1331, MedGen C3539120, MONDO:0013872, OMIM 614731.

Allele frequency attached by ClinVar (database versions not stated): 1000 Genomes Project 0.04952; 1000 Genomes Project 30x 0.05028; TOPMed 0.08366; gnomAD 0.08469 and 0.08556; ESP Exome Variant Server 0.09080; ExAC 0.10173.

Submissions (6):

Labcorp Genetics (formerly Invitae), Labcorp
Classification: Benign for Combined oxidative phosphorylation defect type 17. Last evaluated: 2026-02-04. Review status: criteria provided, single submitter. Criteria: Invitae Variant Classification Sherloc (09022015). Collection method: clinical testing. Allele origin: germline.

Blueprint Genetics
Classification: Benign. Last evaluated: 2024-11-28. Review status: criteria provided, single submitter. Criteria: ACMG Guidelines, 2015. Collection method: clinical testing. Allele origin: germline.

KCCC/NGS Laboratory, Kuwait Cancer Control Center
Classification: Benign for Prostate cancer, hereditary, 2. Last evaluated: 2023-07-07. Review status: criteria provided, single submitter. Criteria: ACMG Guidelines, 2015. Collection method: clinical testing. Allele origin: germline. Affected: yes.

Genome-Nilou Lab
Classification: Benign for Combined oxidative phosphorylation defect type 17. Last evaluated: 2021-07-30. Review status: criteria provided, single submitter. Criteria: ACMG Guidelines, 2015. Collection method: clinical testing. Allele origin: germline. Affected: no.

GeneDx
Classification: Benign. Last evaluated: 2015-12-16. Review status: criteria provided, single submitter. Criteria: GeneDx Variant Classification (06012015). Collection method: clinical testing. Allele origin: germline. Affected: yes.
Comment: This variant is considered likely benign or benign based on one or more of the following criteria: it is a conservative change, it occurs at a poorly conserved position in the protein, it is predicted to be benign by multiple in silico algorithms, and/or has population frequency not consistent with disease.

Breakthrough Genomics
Classification: Benign. Review status: criteria provided, single submitter. Criteria: ACMG Guidelines, 2015. Collection method: not provided. Allele origin: germline. Inheritance: Autosomal recessive inheritance. Affected: yes.